The following is an entry in ClinVar:

ClinVar aggregate classification (germline): Uncertain significance. Review status: criteria provided, multiple submitters, no conflicts (2 of 4 stars). 2 submissions from 2 submitters: Uncertain significance (2). Last evaluated 2024-12-30.

gnomAD v4.1: 7 of 1,613,400 alleles (0.00043%); highest among the groups gnomAD compares: Admixed American, 0.0033%; no homozygotes.

Submissions (2):

Ambry Genetics
Classification: Uncertain significance. Last evaluated: 2024-12-30. Review status: criteria provided, single submitter. Criteria: Ambry Variant Classification Scheme 2023. Collection method: clinical testing. Allele origin: germline.

Labcorp Genetics (formerly Invitae), Labcorp
Classification: Uncertain significance. Last evaluated: 2024-08-20. Review status: criteria provided, single submitter. Criteria: Invitae Variant Classification Sherloc (09022015). Collection method: clinical testing. Allele origin: germline.
Comment: This sequence change replaces alanine, which is neutral and non-polar, with threonine, which is neutral and polar, at codon 39 of the LYRM4 protein (p.Ala39Thr). This variant is not present in population databases (gnomAD no frequency). This variant has not been reported in the literature in individuals affected with LYRM4-related conditions. An algorithm developed to predict the effect of missense changes on protein structure and function (PolyPhen-2) suggests that this variant is likely to be disruptive. In summary, the available evidence is currently insufficient to determine the role of this variant in disease. Therefore, it has been classified as a Variant of Uncertain Significance.

NM_020408.6(LYRM4):c.115G>A (p.Ala39Thr)

Genes: LYRM4 (LYR motif containing 4; minus strand), LYRM4-AS1 (LYRM4 antisense RNA 1; plus strand). Cytogenetic location: 6p25.1.
Variant type: single nucleotide variant.
Coding change: c.115G>A on transcript NM_020408.6 (MANE Select); coding-DNA position 115, G replaced by A.
Protein change: p.Ala39Thr; replaces alanine 39 with threonine.
Molecular consequence: missense variant. On other transcripts: non-coding transcript variant (2).
Genome position (GRCh38, 1-based): chr6:5,216,710, C>T on the plus strand (G>A on the coding strand, the complement: LYRM4 is on the minus strand). VCF-style: chr6-5216710-C-T. GRCh37 (hg19) VCF-style: chr6-5216943-C-T.
Other names: c.115G>A, p.Ala39Thr (NM_001164840.3, NM_001164841.3, NM_001318782.1 and 1 more transcripts); c.115G>A (NM_001164840.1); short protein forms A39T.
Identifiers: ClinVar variation 3715056 (VCV003715056.3).
Genomic context (GRCh38, chr6:5,216,710, plus strand): 5'-CTTTATTCACTAGGGTTTGAATTTCTACAGGATCCTTTACATTTTTATTTTCTCTGAAGG[C>T]ATCTCTTATCCTCCTGACAGCATATGTTCTAAATGAATTCAGAGGAAAAAAAAGAAAAGG-3'
Protein context (NP_065141.3, residues 29-49): RTYAVRRIRD[Ala39Thr]FRENKNVKDP